The following is an entry in ClinVar:

ClinVar aggregate classification (germline): Uncertain significance (1 of 4 stars; one submission).

Submission:

Labcorp Genetics (formerly Invitae), Labcorp
Classification: Uncertain significance. Last evaluated: 2024-08-27. Review status: criteria provided, single submitter. Criteria: Invitae Variant Classification Sherloc (09022015). Collection method: clinical testing. Allele origin: germline.
Comment: This sequence change affects codon 373 of the PACS2 mRNA. It is a 'silent' change, meaning that it does not change the encoded amino acid sequence of the PACS2 protein. This variant is not present in population databases (gnomAD no frequency). This variant has not been reported in the literature in individuals affected with PACS2-related conditions. Algorithms developed to predict the effect of sequence changes on RNA splicing suggest that this variant may create or strengthen a splice site. In summary, the available evidence is currently insufficient to determine the role of this variant in disease. Therefore, it has been classified as a Variant of Uncertain Significance.

NM_001100913.3(PACS2):c.1119G>A (p.Val373=)

Gene: PACS2 (phosphofurin acidic cluster sorting protein 2; plus strand). Cytogenetic location: 14q32.33.
Variant type: single nucleotide variant.
Coding change: c.1119G>A on transcript NM_001100913.3 (MANE Select); coding-DNA position 1119, G replaced by A.
Protein change: p.Val373=; no amino-acid change (valine 373 retained).
Molecular consequence: synonymous variant.
Genome position (GRCh38, 1-based): chr14:105,380,148, G>A. VCF-style: chr14-105380148-G-A. GRCh37 (hg19) VCF-style: chr14-105846485-G-A.
Other names: c.894G>A, p.Val298= (NM_001243127.3); c.1119G>A, p.Val373= (NM_015197.4).
Identifiers: ClinVar variation 3633278 (VCV003633278.2).